The following is an entry in ClinVar:

ClinVar aggregate classification (germline): Uncertain significance (1 of 4 stars; one submission).

gnomAD v4.1: 2 of 1,613,938 alleles (0.00012%); highest among the groups gnomAD compares: Non-Finnish European, 0.00017%; no homozygotes.

Submission:

Dasa
Classification: Uncertain significance. Last evaluated: 2025-07-28. Review status: criteria provided, single submitter. Criteria: DASA Assertion Criteria. Collection method: clinical testing. Allele origin: germline.
Comment: NM_182914.3(SYNE2):c.19628G>A (p.Gly6543Glu) is a missense variant that results in the substitution of glycine with glutamic acid. This variant is rare in population databases. Computational prediction algorithms are consistent with a benign effect. The currently available literature and clinical evidence are not sufficient to establish a definitive association between this variant and the reported condition. Therefore, this variant is classified as a variant of uncertain significance.

NM_182914.3(SYNE2):c.19628G>A (p.Gly6543Glu)

Gene: SYNE2 (spectrin repeat containing nuclear envelope protein 2; plus strand). Cytogenetic location: 14q23.2.
Variant type: single nucleotide variant.
Coding change: c.19628G>A on transcript NM_182914.3 (MANE Select); coding-DNA position 19628, G replaced by A.
Protein change: p.Gly6543Glu; replaces glycine 6543 with glutamic acid.
Molecular consequence: missense variant.
Genome position (GRCh38, 1-based): chr14:64,218,483, G>A. VCF-style: chr14-64218483-G-A. GRCh37 (hg19) VCF-style: chr14-64685201-G-A.
Other names: c.530G>A, p.Gly177Glu (NM_182913.4); c.19559G>A, p.Gly6520Glu (NM_015180.6); c.152G>A, p.Gly51Glu (NM_182910.2); short protein forms G177E, G51E, G6520E, G6543E.
Identifiers: ClinVar variation 4885844 (VCV004885844.2).
Genomic context (GRCh38, chr14:64,218,483, plus strand): 5'-CGGATGGTGGCAAAGAAGGCCCGCGAGTCCTGAATGGCAACCCACAGCAGGAAGACGGGG[G>A]ACTGGCCGGTATCACAGAGCAGCAGTCAGGTACTGCCTGTAACTGGCAGTCGTCCAGAGA-3'
Protein context (NP_878918.2, residues 6533-6553): LNGNPQQEDG[Gly6543Glu]LAGITEQQSG